The following is an entry in ClinVar:

ClinVar aggregate classification (germline): Likely benign. Review status: criteria provided, multiple submitters, no conflicts (2 of 4 stars). 9 submissions from 9 submitters: Likely benign (7). 2 of the submissions do not count toward it. Last evaluated 2026-05-01.

Conditions:
Medium-chain acyl-coenzyme A dehydrogenase deficiency (ACADMD). Also called: MCADD; Medium chain acyl-CoA dehydrogenase deficiency; MCAD Deficiency; CARNITINE DEFICIENCY SECONDARY TO MEDIUM-CHAIN ACYL-CoA DEHYDROGENASE DEFICIENCY; ACADM DEFICIENCY; MCADH DEFICIENCY. Identifiers: Orphanet 42, MedGen C0220710, MONDO:0008721, OMIM 201450.
ACADM-related disorder. Also called: ACADM-related condition.
Inborn genetic diseases. Identifiers: MedGen C0950123, MeSH D030342.

Allele frequency attached by ClinVar (database versions not stated): 1000 Genomes Project 30x 0.00016; 1000 Genomes Project 0.00020; ExAC 0.00029; gnomAD exomes 0.00041 and 0.00080; ESP Exome Variant Server 0.00046; gnomAD 0.00079 and 0.00080; TOPMed 0.00080.
gnomAD v4.1: 1,264 of 1,613,992 alleles (0.078%); highest among the groups gnomAD compares: Admixed American, 0.13%; 1 homozygote.

Submissions (9):

CeGaT Center for Human Genetics Tuebingen
Classification: Likely benign. Last evaluated: 2026-05-01. Review status: criteria provided, single submitter. Criteria: CeGaT Center For Human Genetics Tuebingen Variant Classification Criteria Version 2. Collection method: clinical testing. Allele origin: germline. Affected: yes. Observed: 7 variant alleles.
Comment: ACADM: BP4, BP7

Labcorp Genetics (formerly Invitae), Labcorp
Classification: Likely benign for Medium-chain acyl-coenzyme A dehydrogenase deficiency. Last evaluated: 2026-01-28. Review status: criteria provided, single submitter. Criteria: Invitae Variant Classification Sherloc (09022015). Collection method: clinical testing. Allele origin: germline.

Mayo Clinic Laboratories, Mayo Clinic
Classification: Likely benign. Last evaluated: 2025-07-10. Review status: criteria provided, single submitter. Criteria: ACMG Guidelines, 2015. Collection method: clinical testing. Allele origin: germline. Observed: 2 variant alleles.
Comment: BP4, BP7

Blueprint Genetics
Classification: Likely benign. Last evaluated: 2024-10-31. Review status: criteria provided, single submitter. Criteria: ACMG Guidelines, 2015. Collection method: clinical testing. Allele origin: germline.

Ambry Genetics
Classification: Likely benign for Inborn genetic diseases. Last evaluated: 2022-04-29. Review status: criteria provided, single submitter. Criteria: Ambry Variant Classification Scheme 2023. Collection method: clinical testing. Allele origin: germline.

Women's Health and Genetics/Laboratory Corporation of America, LabCorp
Classification: Likely benign. Last evaluated: 2019-08-22. Review status: criteria provided, single submitter. Criteria: LabCorp Variant Classification Summary - May 2015. Collection method: clinical testing. Allele origin: germline.

GeneDx
Classification: Likely benign. Last evaluated: 2018-07-10. Review status: criteria provided, single submitter. Criteria: GeneDx Variant Classification Process June 2021. Collection method: clinical testing. Allele origin: germline. Affected: yes.

Natera, Inc.
Classification: Likely benign for Medium-chain acyl-coenzyme a dehydrogenase deficiency. Last evaluated: 2020-04-22. Review status: no assertion criteria provided. Collection method: clinical testing. Allele origin: germline. Not counted in ClinVar's aggregate classification.

PreventionGenetics, part of Exact Sciences
Classification: Likely benign for ACADM-related condition. Last evaluated: 2019-07-03. Review status: no assertion criteria provided. Collection method: clinical testing. Allele origin: germline. Not counted in ClinVar's aggregate classification.
Comment: This variant is classified as likely benign based on ACMG/AMP sequence variant interpretation guidelines (Richards et al. 2015 PMID: 25741868, with internal and published modifications).

NM_000016.6(ACADM):c.645T>A (p.Ala215=)

Gene: ACADM (acyl-CoA dehydrogenase medium chain; plus strand). Cytogenetic location: 1p31.1.
Variant type: single nucleotide variant.
Coding change: c.645T>A on transcript NM_000016.6 (MANE Select); coding-DNA position 645, T replaced by A.
Protein change: p.Ala215=; no amino-acid change (alanine 215 retained).
Molecular consequence: synonymous variant.
Genome position (GRCh38, 1-based): chr1:75,745,851, T>A. VCF-style: chr1-75745851-T-A. GRCh37 (hg19) VCF-style: chr1-76211536-T-A.
Other names: p.Ala215=; c.657T>A, p.Ala219= (NM_001127328.3); c.537T>A, p.Ala179= (NM_001286042.2); c.744T>A, p.Ala248= (NM_001286043.2); c.78T>A, p.Ala26= (NM_001286044.2).
Identifiers: ClinVar variation 386718 (VCV000386718.54), dbSNP rs147395095, ClinGen allele CA913163.